The following is an entry in ClinVar:

ClinVar aggregate classification (germline): Uncertain significance (1 of 4 stars; one submission).

Allele frequency attached by ClinVar (database versions not stated): TOPMed below 0.00001; gnomAD exomes 0.00001.
gnomAD v4.1: 8 of 1,614,234 alleles (0.0005%); highest among the groups gnomAD compares: Non-Finnish European, 0.00068%; no homozygotes.

Submission:

Labcorp Genetics (formerly Invitae), Labcorp
Classification: Uncertain significance. Last evaluated: 2022-02-19. Review status: criteria provided, single submitter. Criteria: Invitae Variant Classification Sherloc (09022015). Collection method: clinical testing. Allele origin: germline.
Comment: This sequence change replaces serine, which is neutral and polar, with cysteine, which is neutral and slightly polar, at codon 1487 of the CEP250 protein (p.Ser1487Cys). This variant is present in population databases (no rsID available, gnomAD 0.007%). This variant has not been reported in the literature in individuals affected with CEP250-related conditions. ClinVar contains an entry for this variant (Variation ID: 1053070). Algorithms developed to predict the effect of missense changes on protein structure and function are either unavailable or do not agree on the potential impact of this missense change (SIFT: "Not Available"; PolyPhen-2: "Probably Damaging"; Align-GVGD: "Not Available"). In summary, the available evidence is currently insufficient to determine the role of this variant in disease. Therefore, it has been classified as a Variant of Uncertain Significance.

NM_007186.6(CEP250):c.4460C>G (p.Ser1487Cys)

Gene: CEP250 (centrosomal protein 250; plus strand). Cytogenetic location: 20q11.22.
Variant type: single nucleotide variant.
Coding change: c.4460C>G on transcript NM_007186.6 (MANE Select); coding-DNA position 4460, C replaced by G.
Protein change: p.Ser1487Cys; replaces serine 1487 with cysteine.
Molecular consequence: missense variant.
Genome position (GRCh38, 1-based): chr20:35,502,829, C>G. VCF-style: chr20-35502829-C-G. GRCh37 (hg19) VCF-style: chr20-34090657-C-G.
Other names: c.2564C>G, p.Ser855Cys (NM_001318219.1); short protein forms S1487C, S855C.
Identifiers: ClinVar variation 1053070 (VCV001053070.7), dbSNP rs1162080589, ClinGen allele CA408748271.